The following is an entry in ClinVar:

NM_015559.3(SETBP1):c.3277C>T (p.Pro1093Ser)

Gene: SETBP1 (SET binding protein 1; plus strand). Cytogenetic location: 18q12.3.
Variant type: single nucleotide variant.
Coding change: c.3277C>T on transcript NM_015559.3 (MANE Select); coding-DNA position 3277, C replaced by T.
Protein change: p.Pro1093Ser; replaces proline 1093 with serine.
Molecular consequence: missense variant.
Genome position (GRCh38, 1-based): chr18:44,952,617, C>T. VCF-style: chr18-44952617-C-T. GRCh37 (hg19) VCF-style: chr18-42532582-C-T.
Other names: c.3277C>T, p.Pro1093Ser (NM_001379141.1, NM_001379142.1, NM_001410862.1); short protein forms P1093S.
Identifiers: ClinVar variation 1716462 (VCV001716462.5), dbSNP rs1467295026, ClinGen allele CA402324078.

ClinVar aggregate classification (germline): Uncertain significance (1 of 4 stars; one submission).

Allele frequency attached by ClinVar (database versions not stated): TOPMed below 0.00001; gnomAD 0.00001.

Submission:

Labcorp Genetics (formerly Invitae), Labcorp
Classification: Uncertain significance. Last evaluated: 2022-08-15. Review status: criteria provided, single submitter. Criteria: Invitae Variant Classification Sherloc (09022015). Collection method: clinical testing. Allele origin: germline.
Comment: This variant has not been reported in the literature in individuals affected with SETBP1-related conditions. In summary, the available evidence is currently insufficient to determine the role of this variant in disease. Therefore, it has been classified as a Variant of Uncertain Significance. Algorithms developed to predict the effect of missense changes on protein structure and function are either unavailable or do not agree on the potential impact of this missense change (SIFT: "Deleterious"; PolyPhen-2: "Probably Damaging"; Align-GVGD: "Class C0"). This variant is present in population databases (no rsID available, gnomAD 0.0009%). This sequence change replaces proline, which is neutral and non-polar, with serine, which is neutral and polar, at codon 1093 of the SETBP1 protein (p.Pro1093Ser).